The following is an entry in ClinVar:

NM_001204290.2(MUC1):c.59-23T>C

Gene: MUC1 (mucin 1, cell surface associated; minus strand). Cytogenetic location: 1q22.
Variant type: single nucleotide variant.
Coding change: c.59-23T>C on transcript NM_001204290.2; 23 bases into the intron before coding-DNA position 59, T replaced by C.
Molecular consequence: intron variant. On other transcripts: synonymous variant (20).
Genome position (GRCh38, 1-based): chr1:155,192,270, A>G on the plus strand (T>C on the coding strand, the complement: MUC1 is on the minus strand). VCF-style: chr1-155192270-A-G. GRCh37 (hg19) VCF-style: chr1-155162061-A-G.
Other names: c.99T>C, p.Ser33= (NM_001018016.3, NM_001044392.3, NM_001204286.1 and 9 more transcripts); c.72T>C, p.Ser24= (NM_001018017.3, NM_001044390.3, NM_001044391.3 and 5 more transcripts).
Identifiers: ClinVar variation 2639395 (VCV002639395.24), dbSNP rs1249916514, ClinGen allele CA421241829.

ClinVar aggregate classification (germline): Likely benign (1 of 4 stars; one submission).

Allele frequency attached by ClinVar (database versions not stated): gnomAD exomes 0.00001.

Submission:

CeGaT Center for Human Genetics Tuebingen
Classification: Likely benign. Last evaluated: 2023-04-01. Review status: criteria provided, single submitter. Criteria: CeGaT Center For Human Genetics Tuebingen Variant Classification Criteria Version 2. Collection method: clinical testing. Allele origin: germline. Affected: yes. Observed: 1 variant allele.
Comment: MUC1: BP4, BP7